The following is an entry in ClinVar:

ClinVar aggregate classification (germline): Uncertain significance (1 of 4 stars; one submission).

gnomAD v4.1: 1 of 1,612,406 alleles (0.000062%); no homozygotes.

Submission:

Labcorp Genetics (formerly Invitae), Labcorp
Classification: Uncertain significance. Last evaluated: 2025-11-18. Review status: criteria provided, single submitter. Criteria: Invitae Variant Classification Sherloc (09022015). Collection method: clinical testing. Allele origin: germline.
Comment: This sequence change replaces tyrosine, which is neutral and polar, with cysteine, which is neutral and slightly polar, at codon 1285 of the NLRP1 protein (p.Tyr1285Cys). This variant is not present in population databases (gnomAD no frequency). This variant has not been reported in the literature in individuals affected with NLRP1-related conditions. An algorithm developed to predict the effect of missense changes on protein structure and function (PolyPhen-2) suggests that this variant is likely to be disruptive. In summary, the available evidence is currently insufficient to determine the role of this variant in disease. Therefore, it has been classified as a Variant of Uncertain Significance.

NM_033004.4(NLRP1):c.3854A>G (p.Tyr1285Cys)

Gene: NLRP1 (NLR family pyrin domain containing 1; minus strand). Cytogenetic location: 17p13.2.
Variant type: single nucleotide variant.
Coding change: c.3854A>G on transcript NM_033004.4 (MANE Select); coding-DNA position 3854, A replaced by G.
Protein change: p.Tyr1285Cys; replaces tyrosine 1285 with cysteine.
Molecular consequence: missense variant. On other transcripts: intron variant (2).
Genome position (GRCh38, 1-based): chr17:5,520,942, T>C on the plus strand (A>G on the coding strand, the complement: NLRP1 is on the minus strand). VCF-style: chr17-5520942-T-C. GRCh37 (hg19) VCF-style: chr17-5424262-T-C.
Other names: c.3866A>G, p.Tyr1289Cys (NM_001033053.3); c.3764A>G, p.Tyr1255Cys (NM_033006.4); c.3693+582A>G (NM_033007.4); c.3783+582A>G (NM_014922.5); short protein forms Y1255C, Y1285C, Y1289C.
Identifiers: ClinVar variation 4774922 (VCV004774922.1).
Genomic context (GRCh38, chr17:5,520,942, plus strand): 5'-TTGGGGAGTATTTCCAGCATCCCTGAACCAGACCCAGACACAGTGTAACGACAGCCCATA[T>C]AAAGTGGGGTCAGCGGGGGTGGCTTGTGGATTCGCACAAACTGGAATTTCATTTCTAGAT-3'
Protein context (NP_127497.1, residues 1275-1295): IHKPPPLTPL[Tyr1285Cys]MGCRYTVSGS